The following is an entry in ClinVar:

NM_001101.5(ACTB):c.246G>A (p.Met82Ile)

Gene: ACTB (actin beta; minus strand). Cytogenetic location: 7p22.1.
Variant type: single nucleotide variant.
Coding change: c.246G>A on transcript NM_001101.5 (MANE Select); coding-DNA position 246, G replaced by A.
Protein change: p.Met82Ile; replaces methionine 82 with isoleucine.
Molecular consequence: missense variant.
Genome position (GRCh38, 1-based): chr7:5,529,278, C>T on the plus strand (G>A on the coding strand, the complement: ACTB is on the minus strand). VCF-style: chr7-5529278-C-T. GRCh37 (hg19) VCF-style: chr7-5568909-C-T.
Other names: short protein forms M82I.
Identifiers: ClinVar variation 2662129 (VCV002662129.3), dbSNP rs2533850280, ClinGen allele CA366704705.

ClinVar aggregate classification (germline): Uncertain significance. Review status: criteria provided, multiple submitters, no conflicts (2 of 4 stars). 2 submissions from 2 submitters: Uncertain significance (2). Last evaluated 2026-01-07.

Conditions:
Baraitser-Winter syndrome 1 (BRWS1). Also called: BARAITSER-WINTER SYNDROME 1, ATYPICAL; PACHYGYRIA, MENTAL RETARDATION, EPILEPSY, AND CHARACTERISTIC FACIES; MENTAL RETARDATION WITH EPILEPSY AND CHARACTERISTIC FACIES; Cerebrofrontofacial syndrome. Identifiers: Orphanet 2649, Orphanet 2995, MedGen C1855722, MONDO:0009470, OMIM 243310.

Submissions (2):

Dasa
Classification: Uncertain significance for Baraitser-Winter syndrome 1. Last evaluated: 2026-01-07. Review status: criteria provided, single submitter. Criteria: DASA Assertion Criteria. Collection method: clinical testing. Allele origin: germline.
Comment: NM_001101.5(ACTB):c.246G>A (p.Met82Ile) is a missense variant that results in the substitution of methionine with isoleucine. The affected residue or protein region has prior evidence supporting clinical relevance. This variant is absent from population databases. Computational prediction algorithms are consistent with a deleterious effect. The currently available literature and clinical evidence are not sufficient to establish a definitive association between this variant and the reported condition. Therefore, this variant is classified as a variant of uncertain significance.

GeneDx
Classification: Uncertain significance. Last evaluated: 2023-04-10. Review status: criteria provided, single submitter. Criteria: GeneDx Variant Classification Process June 2021. Collection method: clinical testing. Allele origin: germline. Affected: yes.
Comment: Not observed at significant frequency in large population cohorts (gnomAD); Missense variants in this gene are often considered pathogenic (HGMD); In silico analysis supports that this missense variant has a deleterious effect on protein structure/function; Has not been previously published as pathogenic or benign to our knowledge